The following is an entry in ClinVar:

NM_004456.5(EZH2):c.907+5G>A

Gene: EZH2 (enhancer of zeste 2 polycomb repressive complex 2 subunit; minus strand). Cytogenetic location: 7q36.1.
Variant type: single nucleotide variant.
Coding change: c.907+5G>A on transcript NM_004456.5 (MANE Select); 5 bases into the intron after coding-DNA position 907, G replaced by A.
Molecular consequence: intron variant.
Genome position (GRCh38, 1-based): chr7:148,826,449, C>T on the plus strand (G>A on the coding strand, the complement: EZH2 is on the minus strand). VCF-style: chr7-148826449-C-T. GRCh37 (hg19) VCF-style: chr7-148523541-C-T.
Other names: c.865+20G>A (NM_001203248.2, NM_001203249.2); c.775+20G>A (NM_152998.3); c.892+20G>A (NM_001203247.2).
Identifiers: ClinVar variation 449215 (VCV000449215.49), dbSNP rs368128494, ClinGen allele CA4548024.

ClinVar aggregate classification (germline): Conflicting classifications of pathogenicity. Review status: criteria provided, conflicting classifications (1 of 4 stars). 6 submissions from 6 submitters: Uncertain significance (2); Likely benign (4). Last evaluated 2026-01-04.

Conditions:
EZH2-related disorder.
Weaver syndrome (WVS). Also called: Weaver Smith syndrome; Overgrowth syndrome with accelerated skeletal maturation, unusual facies, and camptodactyly. Identifiers: Orphanet 3447, MedGen C0265210, MONDO:0010193, OMIM 277590.
Intellectual disability. Also called: Intellectual developmental disorder; Intellectual functioning disability; intellectual disabilities. Identifiers: MedGen C3714756, MeSH D008607, MONDO:0001071, HP:0001249.

Allele frequency attached by ClinVar (database versions not stated): 1000 Genomes Project 30x 0.00016; TOPMed 0.00017; gnomAD 0.00019; gnomAD exomes 0.00020; ESP Exome Variant Server 0.00023; ExAC 0.00026.
gnomAD v4.1: 519 of 1,549,448 alleles (0.033%); highest among the groups gnomAD compares: Non-Finnish European, 0.041%; no homozygotes.

Submissions (6):

Labcorp Genetics (formerly Invitae), Labcorp
Classification: Uncertain significance for Weaver syndrome. Last evaluated: 2026-01-04. Review status: criteria provided, single submitter. Criteria: Invitae Variant Classification Sherloc (09022015). Collection method: clinical testing. Allele origin: germline.
Comment: This sequence change falls in intron 8 of the EZH2 gene. It does not directly change the encoded amino acid sequence of the EZH2 protein. It affects a nucleotide within the consensus splice site. This variant is present in population databases (rs368128494, gnomAD 0.03%), and has an allele count higher than expected for a pathogenic variant. This variant has not been reported in the literature in individuals affected with EZH2-related conditions. ClinVar contains an entry for this variant (Variation ID: 449215). Variants that disrupt the consensus splice site are a relatively common cause of aberrant splicing (PMID: 17576681, 9536098). Algorithms developed to predict the effect of sequence changes on RNA splicing suggest that this variant is not likely to affect RNA splicing. In summary, the available evidence is currently insufficient to determine the role of this variant in disease. Therefore, it has been classified as a Variant of Uncertain Significance.

PreventionGenetics, part of Exact Sciences
Classification: Likely benign for EZH2-related condition. Last evaluated: 2025-12-11. Review status: criteria provided, single submitter. Criteria: ACMG Guidelines, 2015. Collection method: clinical testing. Allele origin: germline.
Comment: This variant is classified as likely benign based on ACMG/AMP sequence variant interpretation guidelines (Richards et al. 2015 PMID: 25741868, with internal and published modifications).

Blueprint Genetics
Classification: Likely benign. Last evaluated: 2024-08-08. Review status: criteria provided, single submitter. Criteria: ACMG Guidelines, 2015. Collection method: clinical testing. Allele origin: germline.

CeGaT Center for Human Genetics Tuebingen
Classification: Likely benign. Last evaluated: 2022-11-01. Review status: criteria provided, single submitter. Criteria: CeGaT Center For Human Genetics Tuebingen Variant Classification Criteria Version 2. Collection method: clinical testing. Allele origin: germline. Affected: yes. Observed: 2 variant alleles.
Comment: EZH2: BP4, BS2

GeneDx
Classification: Likely benign. Last evaluated: 2020-07-29. Review status: criteria provided, single submitter. Criteria: GeneDx Variant Classification Process June 2021. Collection method: clinical testing. Allele origin: germline. Affected: yes.

Cambridge Genomics Laboratory, East Genomic Laboratory Hub, NHS Genomic Medicine Service
Classification: Uncertain significance for Intellectual disability. Last evaluated: 2019-07-23. Review status: criteria provided, single submitter. Criteria: ACGS Best Practice Guidelines for Variant Classification in Rare Disease 2020. Collection method: clinical testing. Allele origin: germline. Affected: yes. Observed: 1 variant allele.

Literature cited by the submitters: PubMed 17576681 (cited by Labcorp Genetics (formerly Invitae), Labcorp); PubMed 9536098 (cited by Labcorp Genetics (formerly Invitae), Labcorp).